The following is an entry in ClinVar:

ClinVar aggregate classification (germline): Uncertain significance. Review status: criteria provided, multiple submitters, no conflicts (2 of 4 stars). 3 submissions from 3 submitters: Uncertain significance (3). Last evaluated 2025-05-10.

Conditions:
Long QT syndrome (LQTS). Identifiers: MedGen C0023976, MeSH D008133, MONDO:0002442. Disease mechanism: loss of function. Inheritance: Various modes of inheritance.
Short QT syndrome type 1. Identifiers: Orphanet 51083, MedGen C1865020, MONDO:0012312, OMIM 609620.
Cardiovascular phenotype. Identifiers: MedGen CN230736.

Allele frequency attached by ClinVar (database versions not stated): gnomAD exomes below 0.00001; gnomAD 0.00001.
gnomAD v4.1: 10 of 1,597,516 alleles (0.00063%); highest among the groups gnomAD compares: African/African-American, 0.0027%; no homozygotes.

Submissions (3):

Labcorp Genetics (formerly Invitae), Labcorp
Classification: Uncertain significance for Long QT syndrome. Last evaluated: 2025-05-10. Review status: criteria provided, single submitter. Criteria: Invitae Variant Classification Sherloc (09022015). Collection method: clinical testing. Allele origin: germline.
Comment: This sequence change replaces serine, which is neutral and polar, with leucine, which is neutral and non-polar, at codon 1107 of the KCNH2 protein (p.Ser1107Leu). The frequency data for this variant in the population databases is considered unreliable, as metrics indicate poor data quality at this position in the gnomAD database. This variant has not been reported in the literature in individuals affected with KCNH2-related conditions. ClinVar contains an entry for this variant (Variation ID: 843735). An algorithm developed to predict the effect of missense changes on protein structure and function (PolyPhen-2) suggests that this variant is likely to be tolerated. In summary, the available evidence is currently insufficient to determine the role of this variant in disease. Therefore, it has been classified as a Variant of Uncertain Significance.

Ambry Genetics
Classification: Uncertain significance for Cardiovascular phenotype. Last evaluated: 2024-08-26. Review status: criteria provided, single submitter. Criteria: Ambry Variant Classification Scheme 2023. Collection method: clinical testing. Allele origin: germline.
Comment: The p.S1107L variant (also known as c.3320C>T), located in coding exon 14 of the KCNH2 gene, results from a C to T substitution at nucleotide position 3320. The serine at codon 1107 is replaced by leucine, an amino acid with dissimilar properties, and is located in the cytoplasmic C-terminal region. This amino acid position is not well conserved in available vertebrate species. In addition, the in silico prediction for this alteration is inconclusive. Since supporting evidence is limited at this time, the clinical significance of this alteration remains unclear.

Centre for Mendelian Genomics, University Medical Centre Ljubljana
Classification: Uncertain significance for Short QT syndrome type 1. Last evaluated: 2019-10-07. Review status: criteria provided, single submitter. Criteria: ACMG Guidelines, 2015. Collection method: clinical testing. Allele origin: unknown. Affected: yes.
Comment: This variant was classified as: Uncertain significance. The available evidence on this variant's pathogenicity is insufficient or conflicting. The following ACMG criteria were applied in classifying this variant: BP4.

NM_000238.4(KCNH2):c.3320C>T (p.Ser1107Leu)

Gene: KCNH2 (potassium voltage-gated channel subfamily H member 2; minus strand). Cytogenetic location: 7q36.1.
Variant type: single nucleotide variant.
Coding change: c.3320C>T on transcript NM_000238.4 (MANE Select); coding-DNA position 3320, C replaced by T.
Protein change: p.Ser1107Leu; replaces serine 1107 with leucine.
Molecular consequence: missense variant.
Genome position (GRCh38, 1-based): chr7:150,946,887, G>A on the plus strand (C>T on the coding strand, the complement: KCNH2 is on the minus strand). VCF-style: chr7-150946887-G-A. GRCh37 (hg19) VCF-style: chr7-150643975-G-A.
Other names: c.2300C>T, p.Ser767Leu (NM_172057.3); short protein forms S1107L, S767L.
Identifiers: ClinVar variation 843735 (VCV000843735.13), dbSNP rs1303580599, ClinGen allele CA369851900.
Genomic context (GRCh38, chr7:150,946,887, plus strand): 5'-CGGGGAACAAGCGGGTCACGGTACATCGAGGAAGCAGGGCTGGAGCTTACCTGAGAAAGC[G>A]AGTCCAAGGTGAGGGTGGGGAGGGGGCTGACGGGCAACAGCGGGGATGTGGAAGTGGGGC-3'
Protein context (NP_000229.1, residues 1097-1117): VSPLPTLTLD[Ser1107Leu]LSQVSQFMAC